The following is an entry in ClinVar:

NM_020366.4(RPGRIP1):c.833del (p.Arg278fs)

Gene: RPGRIP1 (RPGR interacting protein 1; plus strand). Cytogenetic location: 14q11.2.
Variant type: Deletion.
Coding change: c.833del on transcript NM_020366.4 (MANE Select); coding-DNA position 833, one base deleted (G; older notation c.833delG).
Protein change: p.Arg278fs; shifts the reading frame from arginine 278.
Molecular consequence: frameshift variant.
Genome position (GRCh38, 1-based): chr14:21,307,763, G deleted. VCF-style (leftmost placement, unchanged base first): chr14-21307762-CG-C. GRCh37 (hg19) VCF-style: chr14-21775921-CG-C.
Other names: short protein forms R278fs.
Identifiers: ClinVar variation 2111046 (VCV002111046.6), dbSNP rs2502723295, ClinGen allele CA2580087949.

ClinVar aggregate classification (germline): Pathogenic/Likely pathogenic. Review status: criteria provided, multiple submitters, no conflicts (2 of 4 stars). 2 submissions from 2 submitters: Pathogenic (1); Likely pathogenic (1). Last evaluated 2026-03-04.

Conditions:
Cone-rod dystrophy 13 (CORD13). Identifiers: Orphanet 1872, MedGen C2750720, MONDO:0011987, OMIM 608194.
Leber congenital amaurosis 6 (LCA6). Identifiers: Orphanet 65, MedGen C1854260, MONDO:0013446, OMIM 613826.

Submissions (2):

Dasa
Classification: Likely pathogenic. Last evaluated: 2026-03-04. Review status: criteria provided, single submitter. Criteria: DASA Assertion Criteria. Collection method: clinical testing. Allele origin: germline.
Comment: NM_020366.4(RPGRIP1):c.833del (p.Arg278Hisfs*15) is a frameshift variant in RPGRIP1 predicted to alter the reading frame and introduce a premature termination codon and is predicted to result in an absent or altered protein product. Loss of function is an established disease mechanism for RPGRIP1-associated disorders. Published studies describe this variant in association with related phenotype (PMID: 32856788; PMID: 35456422). Also, this variant is absent from population databases. Based on the currently available evidence, this variant is classified as likely pathogenic.

Labcorp Genetics (formerly Invitae), Labcorp
Classification: Pathogenic for Leber congenital amaurosis 6; Cone-rod dystrophy 13. Last evaluated: 2022-03-13. Review status: criteria provided, single submitter. Criteria: Invitae Variant Classification Sherloc (09022015). Collection method: clinical testing. Allele origin: germline.
Comment: This sequence change creates a premature translational stop signal (p.Arg278Hisfs*15) in the RPGRIP1 gene. It is expected to result in an absent or disrupted protein product. Loss-of-function variants in RPGRIP1 are known to be pathogenic (PMID: 11528500, 23105016). This variant is not present in population databases (gnomAD no frequency). This variant has not been reported in the literature in individuals affected with RPGRIP1-related conditions. For these reasons, this variant has been classified as Pathogenic.

Literature cited by the submitters: PubMed 32856788 (cited by Dasa); PubMed 35456422 (cited by Dasa); PubMed 11528500 (cited by Labcorp Genetics (formerly Invitae), Labcorp); PubMed 23105016 (cited by Labcorp Genetics (formerly Invitae), Labcorp).